The following is an entry in ClinVar:

NM_133642.5(LARGE1):c.156dup (p.Arg53fs)

Gene: LARGE1 (LARGE xylosyl- and glucuronyltransferase 1; minus strand). Cytogenetic location: 22q12.3.
Variant type: Duplication.
Coding change: c.156dup on transcript NM_133642.5 (MANE Select); coding-DNA position 156, one base duplicated (C; older notation c.156dupC).
Protein change: p.Arg53fs; shifts the reading frame from arginine 53.
Molecular consequence: frameshift variant.
Genome position (GRCh38, 1-based): chr22:33,650,619, G duplicated on the plus strand (C on the coding strand, the reverse complement: LARGE1 is on the minus strand); the first of 4 consecutive G bases (chr22:33,650,619-33,650,622); duplicating any one gives the same sequence. VCF-style (leftmost placement, unchanged base first): chr22-33650618-T-TG. GRCh37 (hg19) VCF-style: chr22-34046604-T-TG.
Other names: c.156dup, p.Arg53fs (NM_001362953.2, NM_001378624.1, NM_001378625.1 and 7 more transcripts); short protein forms R53fs.
Identifiers: ClinVar variation 2806164 (VCV002806164.3), dbSNP rs2080771312, ClinGen allele CA2739267924.
Genomic context (GRCh38, chr22:33,650,618, plus strand): 5'-CCACCTCGCGCATGCGCACCTCCAGGCTCTCGCGCTCCCGCTGGCTGGAGGCCGTGTACC[T>TG]GGGGCTGTGTGCCTGGGACTCCAGCGGTGACAGAGACACGGGCTTTCCATCTGGGGAGCG-3'

ClinVar aggregate classification (germline): Pathogenic (1 of 4 stars; one submission).

Conditions:
Muscular dystrophy-dystroglycanopathy type B6 (MDDGB6). Also called: MUSCULAR DYSTROPHY-DYSTROGLYCANOPATHY (CONGENITAL WITH IMPAIRED INTELLECTUAL DEVELOPMENT), TYPE B, 6; MUSCULAR DYSTROPHY, CONGENITAL, LARGE-RELATED; MUSCULAR DYSTROPHY, CONGENITAL, TYPE 1D. Identifiers: MedGen C1837229, MONDO:0012138, OMIM 608840.

Submission:

Labcorp Genetics (formerly Invitae), Labcorp
Classification: Pathogenic for Muscular dystrophy-dystroglycanopathy type B6. Last evaluated: 2022-12-17. Review status: criteria provided, single submitter. Criteria: Invitae Variant Classification Sherloc (09022015). Collection method: clinical testing. Allele origin: germline.
Comment: For these reasons, this variant has been classified as Pathogenic. This variant has not been reported in the literature in individuals affected with LARGE1-related conditions. This variant is not present in population databases (gnomAD no frequency). This sequence change creates a premature translational stop signal (p.Arg53Glnfs*112) in the LARGE1 gene. It is expected to result in an absent or disrupted protein product. Loss-of-function variants in LARGE1 are known to be pathogenic (PMID: 12966029, 17878207).

Literature cited by the submitters: PubMed 12966029; PubMed 17878207.